The following is an entry in ClinVar:

NM_000539.3(RHO):c.696+5G>C

Gene: RHO (rhodopsin; plus strand). Cytogenetic location: 3q22.1.
Variant type: single nucleotide variant.
Coding change: c.696+5G>C on transcript NM_000539.3 (MANE Select); 5 bases into the intron after coding-DNA position 696, G replaced by C.
Molecular consequence: intron variant.
Genome position (GRCh38, 1-based): chr3:129,532,421, G>C. VCF-style: chr3-129532421-G-C. GRCh37 (hg19) VCF-style: chr3-129251264-G-C.
Identifiers: ClinVar variation 1042106 (VCV001042106.8), dbSNP rs376802160, ClinGen allele CA2607244.

ClinVar aggregate classification (germline): Uncertain significance (1 of 4 stars; one submission).

Allele frequency attached by ClinVar (database versions not stated): TOPMed 0.00002.
gnomAD v4.1: 46 of 1,613,788 alleles (0.0029%); highest among the groups gnomAD compares: Non-Finnish European, 0.0031%; no homozygotes.

Submission:

Labcorp Genetics (formerly Invitae), Labcorp
Classification: Uncertain significance. Last evaluated: 2025-04-23. Review status: criteria provided, single submitter. Criteria: Invitae Variant Classification Sherloc (09022015). Collection method: clinical testing. Allele origin: germline.
Comment: This sequence change falls in intron 3 of the RHO gene. It does not directly change the encoded amino acid sequence of the RHO protein. It affects a nucleotide within the consensus splice site. This variant is present in population databases (rs376802160, gnomAD 0.01%). This variant has been observed in individual(s) with clinical features of RHO-related conditions (internal data). ClinVar contains an entry for this variant (Variation ID: 1042106). Variants that disrupt the consensus splice site are a relatively common cause of aberrant splicing (PMID: 17576681, 9536098). Algorithms developed to predict the effect of sequence changes on RNA splicing suggest that this variant may disrupt the consensus splice site. In summary, the available evidence is currently insufficient to determine the role of this variant in disease. Therefore, it has been classified as a Variant of Uncertain Significance.

Literature cited by the submitters: PubMed 17576681; PubMed 9536098.